The following is an entry in ClinVar:

NM_001396959.1(TBC1D1):c.512A>G (p.Lys171Arg)

Gene: TBC1D1 (TBC1 domain family member 1; plus strand). Cytogenetic location: 4p14.
Variant type: single nucleotide variant.
Coding change: c.512A>G on transcript NM_001396959.1 (MANE Select); coding-DNA position 512, A replaced by G.
Protein change: p.Lys171Arg; replaces lysine 171 with arginine.
Molecular consequence: missense variant.
Genome position (GRCh38, 1-based): chr4:38,014,603, A>G. VCF-style: chr4-38014603-A-G. GRCh37 (hg19) VCF-style: chr4-38016224-A-G.
Other names: c.512A>G, p.Lys171Arg (NM_001253912.2, NM_015173.4); short protein forms K171R.
Identifiers: ClinVar variation 3351080 (VCV003351080.1).
Genomic context (GRCh38, chr4:38,014,603, plus strand): 5'-GGAAGATCGCCCGGCAGGAGGAGCTGCACTGCCCGTCCGAGTTCGACGACACGTTTTCCA[A>G]GAAGTTCGAGGTGCTCTTCTGCGGCCGCGTGACGGTGGCGCACAAGAAGGCTCCGCCGGC-3'
Protein context (NP_001383888.1, residues 161-181): CPSEFDDTFS[Lys171Arg]KFEVLFCGRV

ClinVar aggregate classification (germline): Uncertain significance (0 of 4 stars; one submission).

Conditions:
TBC1D1-related disorder. Also called: TBC1D1-related condition.

gnomAD v4.1: 11 of 1,613,382 alleles (0.00068%); highest among the groups gnomAD compares: South Asian, 0.0066%; no homozygotes.

Submission:

PreventionGenetics, part of Exact Sciences
Classification: Uncertain significance for TBC1D1-related condition. Last evaluated: 2024-09-25. Review status: no assertion criteria provided. Collection method: clinical testing. Allele origin: germline.
Comment: The TBC1D1 c.512A>G variant is predicted to result in the amino acid substitution p.Lys171Arg. To our knowledge, this variant has not been reported in the literature. This variant is reported in 0.020% of alleles in individuals of South Asian descent in gnomAD. At this time, the clinical significance of this variant is uncertain due to the absence of conclusive functional and genetic evidence.